The following is an entry in ClinVar:

NM_003998.4(NFKB1):c.1177G>A (p.Gly393Ser)

Gene: NFKB1 (nuclear factor kappa B subunit 1; plus strand). Cytogenetic location: 4q24.
Variant type: single nucleotide variant.
Coding change: c.1177G>A on transcript NM_003998.4 (MANE Select); coding-DNA position 1177, G replaced by A.
Protein change: p.Gly393Ser; replaces glycine 393 with serine.
Molecular consequence: missense variant.
Genome position (GRCh38, 1-based): chr4:102,593,535, G>A. VCF-style: chr4-102593535-G-A. GRCh37 (hg19) VCF-style: chr4-103514692-G-A.
Other names: c.1174G>A, p.Gly392Ser (NM_001165412.2, NM_001319226.2, NM_001382627.1); c.1177G>A, p.Gly393Ser (NM_001382625.1, NM_001382626.1); c.1135G>A, p.Gly379Ser (NM_001382628.1); short protein forms G393S, G392S, G379S.
Identifiers: ClinVar variation 2167922 (VCV002167922.4), dbSNP rs780529668, ClinGen allele CA3026086.

ClinVar aggregate classification (germline): Uncertain significance (1 of 4 stars; one submission).

Allele frequency attached by ClinVar (database versions not stated): gnomAD 0.00001; gnomAD exomes 0.00001; ExAC 0.00002; TOPMed 0.00002.
gnomAD v4.1: 12 of 1,613,608 alleles (0.00074%); highest among the groups gnomAD compares: Admixed American, 0.005%; no homozygotes.

Submission:

Labcorp Genetics (formerly Invitae), Labcorp
Classification: Uncertain significance. Last evaluated: 2024-09-03. Review status: criteria provided, single submitter. Criteria: Invitae Variant Classification Sherloc (09022015). Collection method: clinical testing. Allele origin: germline.
Comment: This sequence change replaces glycine, which is neutral and non-polar, with serine, which is neutral and polar, at codon 393 of the NFKB1 protein (p.Gly393Ser). This variant is present in population databases (rs780529668, gnomAD 0.003%). This missense change has been observed in individual(s) with clinical features of NKFB1 deficiency (PMID: 32278790). ClinVar contains an entry for this variant (Variation ID: 2167922). Invitae Evidence Modeling of protein sequence and biophysical properties (such as structural, functional, and spatial information, amino acid conservation, physicochemical variation, residue mobility, and thermodynamic stability) indicates that this missense variant is not expected to disrupt NFKB1 protein function with a negative predictive value of 80%. Experimental studies have shown that this missense change does not substantially affect NFKB1 function (PMID: 36105815). In summary, the available evidence is currently insufficient to determine the role of this variant in disease. Therefore, it has been classified as a Variant of Uncertain Significance.

Literature cited by the submitters: PubMed 32278790; PubMed 36105815.